The following is an entry in ClinVar:

NM_017763.6(RNF43):c.53T>G (p.Met18Arg)

Gene: RNF43 (ring finger protein 43; minus strand). Cytogenetic location: 17q22.
Variant type: single nucleotide variant.
Coding change: c.53T>G on transcript NM_017763.6 (MANE Select); coding-DNA position 53, T replaced by G.
Protein change: p.Met18Arg; replaces methionine 18 with arginine.
Molecular consequence: missense variant.
Genome position (GRCh38, 1-based): chr17:58,415,525, A>C on the plus strand (T>G on the coding strand, the complement: RNF43 is on the minus strand). VCF-style: chr17-58415525-A-C. GRCh37 (hg19) VCF-style: chr17-56492886-A-C.
Other names: c.53T>G, p.Met18Arg (NM_001305544.3); short protein forms M18R.
Identifiers: ClinVar variation 3789885 (VCV003789885.1).

ClinVar aggregate classification (germline): Uncertain significance (1 of 4 stars; one submission).

Submission:

Ambry Genetics
Classification: Uncertain significance. Last evaluated: 2025-01-06. Review status: criteria provided, single submitter. Criteria: Ambry Variant Classification Scheme 2023. Collection method: clinical testing. Allele origin: germline.
Comment: The p.M18R variant (also known as c.53T>G), located in coding exon 1 of the RNF43 gene, results from a T to G substitution at nucleotide position 53. The methionine at codon 18 is replaced by arginine, an amino acid with similar properties. This amino acid position is conserved. In addition, the in silico prediction for this alteration is inconclusive. Based on the available evidence, the clinical significance of this variant remains unclear.